The following is an entry in ClinVar:

ClinVar aggregate classification (germline): Uncertain significance (1 of 4 stars; one submission).

Conditions:
Bartter disease type 1. Also called: HYPERPROSTAGLANDIN E SYNDROME 1; HYPOKALEMIC ALKALOSIS WITH HYPERCALCIURIA 1, ANTENATAL; Bartter syndrome, type 1, antenatal; Bartter Syndrome type 1. Identifiers: Orphanet 112, Orphanet 620217, MedGen C1866495, MONDO:0100344, OMIM 601678, MONDO:0011127.

gnomAD v4.1: 3 of 1,612,756 alleles (0.00019%); highest among the groups gnomAD compares: Non-Finnish European, 0.00025%; no homozygotes.

Submission:

3billion
Classification: Uncertain significance for Bartter disease type 1. Last evaluated: 2023-02-23. Review status: criteria provided, single submitter. Criteria: ACMG Guidelines, 2015. Collection method: clinical testing. Allele origin: unknown. Affected: yes.
Comment: The variant is not observed in the gnomAD v2.1.1 dataset. In silico tool predictions suggest damaging effect of the variant on gene or gene product (REVEL: 0.94; 3Cnet: 0.47). Therefore, this variant is classified as VUS according to the recommendation of ACMG/AMP guideline.

NM_000338.3(SLC12A1):c.1610G>C (p.Gly537Ala)

Gene: SLC12A1 (solute carrier family 12 member 1; plus strand). Cytogenetic location: 15q21.1.
Variant type: single nucleotide variant.
Coding change: c.1610G>C on transcript NM_000338.3 (MANE Select); coding-DNA position 1610, G replaced by C.
Protein change: p.Gly537Ala; replaces glycine 537 with alanine.
Molecular consequence: missense variant.
Genome position (GRCh38, 1-based): chr15:48,247,386, G>C. VCF-style: chr15-48247386-G-C. GRCh37 (hg19) VCF-style: chr15-48539583-G-C.
Other names: c.1610G>C, p.Gly537Ala (NM_001184832.2, NM_001384136.1); short protein forms G537A.
Identifiers: ClinVar variation 2444097 (VCV002444097.1), dbSNP rs1243462550, ClinGen allele CA392312377.